The following is an entry in ClinVar:

NM_020433.5(JPH2):c.505G>C (p.Glu169Gln)

Gene: JPH2 (junctophilin 2; minus strand). Cytogenetic location: 20q13.12.
Variant type: single nucleotide variant.
Coding change: c.505G>C on transcript NM_020433.5 (MANE Select); coding-DNA position 505, G replaced by C.
Protein change: p.Glu169Gln; replaces glutamic acid 169 with glutamine.
Molecular consequence: missense variant.
Genome position (GRCh38, 1-based): chr20:44,160,282, C>G on the plus strand (G>C on the coding strand, the complement: JPH2 is on the minus strand). VCF-style: chr20-44160282-C-G. GRCh37 (hg19) VCF-style: chr20-42788922-C-G.
Other names: short protein forms E169Q.
Identifiers: ClinVar variation 1309446 (VCV001309446.2), dbSNP rs2072600840, ClinGen allele CA409094255.

ClinVar aggregate classification (germline): Uncertain significance (1 of 4 stars; one submission).

Submission:

GeneDx
Classification: Uncertain significance. Last evaluated: 2019-10-16. Review status: criteria provided, single submitter. Criteria: GeneDx Variant Classification Process June 2021. Collection method: clinical testing. Allele origin: germline. Affected: yes.
Comment: Has not been previously published as pathogenic or benign to our knowledge; Not observed in large population cohorts (Lek et al., 2016); In silico analysis, which includes protein predictors and evolutionary conservation, supports that this variant does not alter protein structure/function